The following is an entry in ClinVar:

NM_000535.7(PMS2):c.376C>T (p.His126Tyr)

Gene: PMS2 (PMS1 homolog 2, mismatch repair system component; minus strand). Cytogenetic location: 7p22.1.
Variant type: single nucleotide variant.
Coding change: c.376C>T on transcript NM_000535.7 (MANE Select); coding-DNA position 376, C replaced by T.
Protein change: p.His126Tyr; replaces histidine 126 with tyrosine.
Molecular consequence: missense variant. On other transcripts: 5 prime UTR variant (8), non-coding transcript variant (1).
Genome position (GRCh38, 1-based): chr7:6,002,614, G>A on the plus strand (C>T on the coding strand, the complement: PMS2 is on the minus strand). VCF-style: chr7-6002614-G-A. GRCh37 (hg19) VCF-style: chr7-6042245-G-A.
Other names: c.-30C>T (NM_001322003.2, NM_001322004.2, NM_001322005.2 and 3 more transcripts); c.376C>T, p.His126Tyr (NM_001322006.2, NM_001322014.2); c.58C>T, p.His20Tyr (NM_001322007.2, NM_001322008.2); c.-509C>T (NM_001322011.2, NM_001322012.2); c.67C>T, p.His23Tyr (NM_001322015.2); short protein forms H23Y, H126Y, H20Y.
Identifiers: ClinVar variation 824182 (VCV000824182.20), dbSNP rs774135207, ClinGen allele CA366744471.

ClinVar aggregate classification (germline): Uncertain significance. Review status: criteria provided, multiple submitters, no conflicts (2 of 4 stars). 5 submissions from 5 submitters: Uncertain significance (5). Last evaluated 2026-03-23.

Conditions:
Hereditary nonpolyposis colorectal neoplasms. Identifiers: MedGen C0009405, MeSH D003123.
Hereditary cancer-predisposing syndrome. Also called: Tumor predisposition; Neoplastic Syndromes, Hereditary; Hereditary neoplastic syndrome; Hereditary Cancer Syndrome. Identifiers: Orphanet 140162, MedGen C0027672, MeSH D009386, MONDO:0015356.
Lynch syndrome 4 (LYNCH4). Also called: Colorectal cancer, hereditary nonpolyposis, type 4; Hereditary non-polyposis colorectal cancer, type 4. Identifiers: Orphanet 144, MedGen C1838333, MONDO:0013699, OMIM 614337. Disease mechanism: loss of function.

Submissions (5):

Ambry Genetics
Classification: Uncertain significance for Hereditary cancer-predisposing syndrome. Last evaluated: 2026-03-23. Review status: criteria provided, single submitter. Criteria: Ambry Variant Classification Scheme 2023. Collection method: clinical testing. Allele origin: germline.

Labcorp Genetics (formerly Invitae), Labcorp
Classification: Uncertain significance for Hereditary nonpolyposis colorectal neoplasms. Last evaluated: 2025-01-28. Review status: criteria provided, single submitter. Criteria: Invitae Variant Classification Sherloc (09022015). Collection method: clinical testing. Allele origin: germline.
Comment: This sequence change replaces histidine, which is basic and polar, with tyrosine, which is neutral and polar, at codon 126 of the PMS2 protein (p.His126Tyr). This variant is not present in population databases (gnomAD no frequency). This variant has not been reported in the literature in individuals affected with PMS2-related conditions. ClinVar contains an entry for this variant (Variation ID: 824182). Invitae Evidence Modeling incorporating data from in vitro experimental studies (internal data) indicates that this missense variant is not expected to disrupt PMS2 function with a negative predictive value of 95%. In summary, the available evidence is currently insufficient to determine the role of this variant in disease. Therefore, it has been classified as a Variant of Uncertain Significance.

Baylor Genetics
Classification: Uncertain significance for Lynch syndrome 4. Last evaluated: 2024-01-03. Review status: criteria provided, single submitter. Criteria: ACMG Guidelines, 2015. Collection method: clinical testing. Allele origin: unknown.

Quest Diagnostics Nichols Institute San Juan Capistrano
Classification: Uncertain significance. Last evaluated: 2022-10-06. Review status: criteria provided, single submitter. Criteria: Quest Diagnostics criteria. Collection method: clinical testing. Allele origin: unknown.
Comment: The variant has not been reported in the published literature. It also has not been reported in large, multi-ethnic general populations. Analysis of this variant using bioinformatics tools for the prediction of the effect of amino acid changes on protein structure and function yielded predictions that this variant is damaging. Based on the available information, we are unable to determine the clinical significance of this variant.

Color Diagnostics, LLC DBA Color Health
Classification: Uncertain significance for Hereditary cancer-predisposing syndrome. Last evaluated: 2019-08-21. Review status: criteria provided, single submitter. Criteria: ACMG Guidelines, 2015. Collection method: clinical testing. Allele origin: germline.
Comment: This missense variant replaces histidine with tyrosine at codon 126 of the PMS2 protein. Computational prediction tools and conservation analyses suggest that this variant may have deleterious impact on protein structure and function. Splice site prediction tools suggest that this variant may not impact RNA splicing. To our knowledge, functional studies have not been performed for this variant. This variant has not been reported in individuals affected with hereditary cancer in the literature. This variant has not been identified in the general population by the Genome Aggregation Database (gnomAD). The available evidence is insufficient to determine the role of this variant in disease conclusively. Therefore, this variant is classified as a Variant of Uncertain Significance.